The following is an entry in ClinVar:

ClinVar aggregate classification (germline): Uncertain significance (1 of 4 stars; one submission).

Conditions:
Agammaglobulinemia 4, autosomal recessive (AGM4). Also called: AGAMMAGLOBULINEMIA, AUTOSOMAL RECESSIVE, DUE TO BLNK DEFECT; B cell linker protein deficiency. Identifiers: MedGen C3150752, MONDO:0013289, OMIM 613502.

Allele frequency attached by ClinVar (database versions not stated): gnomAD exomes 0.00001.
gnomAD v4.1: 16 of 1,613,732 alleles (0.00099%); highest among the groups gnomAD compares: South Asian, 0.013%; no homozygotes.

Submission:

Labcorp Genetics (formerly Invitae), Labcorp
Classification: Uncertain significance for Agammaglobulinemia 4, autosomal recessive. Last evaluated: 2022-08-09. Review status: criteria provided, single submitter. Criteria: Invitae Variant Classification Sherloc (09022015). Collection method: clinical testing. Allele origin: germline.
Comment: This variant is present in population databases (rs782459899, gnomAD 0.006%). In summary, the available evidence is currently insufficient to determine the role of this variant in disease. Therefore, it has been classified as a Variant of Uncertain Significance. Variants that disrupt the consensus splice site are a relatively common cause of aberrant splicing (PMID: 17576681, 9536098). Algorithms developed to predict the effect of sequence changes on RNA splicing suggest that this variant is not likely to affect RNA splicing. ClinVar contains an entry for this variant (Variation ID: 944193). This variant has not been reported in the literature in individuals affected with BLNK-related conditions. This sequence change falls in intron 11 of the BLNK gene. It does not directly change the encoded amino acid sequence of the BLNK protein. It affects a nucleotide within the consensus splice site.

Literature cited by the submitters: PubMed 17576681; PubMed 9536098.

NM_013314.4(BLNK):c.817+6A>G

Gene: BLNK (B cell linker; minus strand). Cytogenetic location: 10q24.1.
Variant type: single nucleotide variant.
Coding change: c.817+6A>G on transcript NM_013314.4 (MANE Select); 6 bases into the intron after coding-DNA position 817, A replaced by G.
Molecular consequence: intron variant.
Genome position (GRCh38, 1-based): chr10:96,207,005, T>C on the plus strand (A>G on the coding strand, the complement: BLNK is on the minus strand). VCF-style: chr10-96207005-T-C. GRCh37 (hg19) VCF-style: chr10-97966761-T-C.
Other names: c.502+6A>G (NM_001258442.2); c.748+6A>G (NM_001258441.2, NM_001114094.2); c.817+6A>G (NM_001258440.2).
Identifiers: ClinVar variation 944193 (VCV000944193.6), dbSNP rs782459899, ClinGen allele CA5623305.